The following is an entry in ClinVar:

ClinVar aggregate classification (germline): Benign/Likely benign. Review status: criteria provided, multiple submitters, no conflicts (2 of 4 stars). 3 submissions from 3 submitters: Benign (1); Likely benign (2). Last evaluated 2026-01-13.

Conditions:
Congenital stationary night blindness 1C. Also called: Night blindness, congenital stationary (complete), 1C, autosomal recessive. Identifiers: Orphanet 215, MedGen C2750747, MONDO:0013183, OMIM 613216.

Allele frequency attached by ClinVar (database versions not stated): gnomAD exomes 0.00267 and 0.00406; TOPMed 0.00276; ExAC 0.00287; 1000 Genomes Project 30x 0.00141; 1000 Genomes Project 0.00160; gnomAD 0.00311 and 0.00325; ESP Exome Variant Server 0.00411.
gnomAD v4.1: 6,430 of 1,613,586 alleles (0.4%); highest among the groups gnomAD compares: Non-Finnish European, 0.49%; 20 homozygotes.

Submissions (3):

Labcorp Genetics (formerly Invitae), Labcorp
Classification: Benign. Last evaluated: 2026-01-13. Review status: criteria provided, single submitter. Criteria: Invitae Variant Classification Sherloc (09022015). Collection method: clinical testing. Allele origin: germline.

Blueprint Genetics
Classification: Likely benign. Last evaluated: 2024-11-22. Review status: criteria provided, single submitter. Criteria: ACMG Guidelines, 2015. Collection method: clinical testing. Allele origin: germline.

Illumina Laboratory Services, Illumina
Classification: Likely benign for Congenital stationary night blindness 1C. Last evaluated: 2018-01-13. Review status: criteria provided, single submitter. Criteria: ICSL Variant Classification Criteria 13 December 2019. Collection method: clinical testing. Allele origin: germline.
Comment: This variant was observed in the ICSL laboratory as part of a predisposition screen in an ostensibly healthy population. It had not been previously curated by ICSL or reported in the Human Gene Mutation Database (HGMD: prior to June 1st, 2018), and was therefore a candidate for classification through an automated scoring system. Utilizing variant allele frequency, disease prevalence and penetrance estimates, and inheritance mode, an automated score was calculated to assess if this variant is too frequent to cause the disease. Based on the score and internal cut-off values, a variant classified as likely benign is not then subjected to further curation. The score for this variant resulted in a classification of likely benign for this disease.

NM_001252024.2(TRPM1):c.2316+12G>A

Gene: TRPM1 (transient receptor potential cation channel subfamily M member 1; minus strand). Cytogenetic location: 15q13.3.
Variant type: single nucleotide variant.
Coding change: c.2316+12G>A on transcript NM_001252024.2 (MANE Select); 12 bases into the intron after coding-DNA position 2316, G replaced by A.
Molecular consequence: intron variant.
Genome position (GRCh38, 1-based): chr15:31,040,106, C>T on the plus strand (G>A on the coding strand, the complement: TRPM1 is on the minus strand). VCF-style: chr15-31040106-C-T. GRCh37 (hg19) VCF-style: chr15-31332309-C-T.
Other names: c.2367+12G>A (NM_001252020.2); c.2250+12G>A (NM_002420.6).
Identifiers: ClinVar variation 884360 (VCV000884360.13), dbSNP rs76451613, ClinGen allele CA7452259.